The following is an entry in ClinVar:

NM_001371279.1(REEP1):c.137C>T (p.Ala46Val)

Gene: REEP1 (receptor accessory protein 1; minus strand). Cytogenetic location: 2p11.2.
Variant type: single nucleotide variant.
Coding change: c.137C>T on transcript NM_001371279.1 (MANE Select); coding-DNA position 137, C replaced by T.
Protein change: p.Ala46Val; replaces alanine 46 with valine.
Molecular consequence: missense variant.
Genome position (GRCh38, 1-based): chr2:86,264,010, G>A on the plus strand (C>T on the coding strand, the complement: REEP1 is on the minus strand). VCF-style: chr2-86264010-G-A. GRCh37 (hg19) VCF-style: chr2-86491133-G-A.
Other names: c.158C>T, p.Ala53Val (NM_001164730.2); c.56C>T, p.Ala19Val (NM_001164731.2); c.137C>T, p.Ala46Val (NM_001164732.2, NM_001371280.1, NM_001410855.1 and 2 more transcripts); short protein forms A19V, A46V, A53V.
Identifiers: ClinVar variation 2756691 (VCV002756691.3), dbSNP rs2468890749, ClinGen allele CA347720043.

ClinVar aggregate classification (germline): Uncertain significance (1 of 4 stars; one submission).

Conditions:
Hereditary spastic paraplegia 31. Also called: SPASTIC PARAPLEGIA 31, AUTOSOMAL DOMINANT. Identifiers: Orphanet 101011, MedGen C1853247, MONDO:0012453, OMIM 610250.

Submission:

Labcorp Genetics (formerly Invitae), Labcorp
Classification: Uncertain significance for Hereditary spastic paraplegia 31. Last evaluated: 2023-06-02. Review status: criteria provided, single submitter. Criteria: Invitae Variant Classification Sherloc (09022015). Collection method: clinical testing. Allele origin: germline.
Comment: In summary, the available evidence is currently insufficient to determine the role of this variant in disease. Therefore, it has been classified as a Variant of Uncertain Significance. This sequence change replaces alanine, which is neutral and non-polar, with valine, which is neutral and non-polar, at codon 46 of the REEP1 protein (p.Ala46Val). This variant is not present in population databases (gnomAD no frequency). This variant has not been reported in the literature in individuals affected with REEP1-related conditions. An algorithm developed to predict the effect of missense changes on protein structure and function (PolyPhen-2) suggests that this variant is likely to be tolerated.